The following is an entry in ClinVar:

NM_152381.6(XIRP2):c.*1241T>C

Gene: XIRP2 (xin actin binding repeat containing 2; plus strand). Cytogenetic location: 2q24.3.
Variant type: single nucleotide variant.
Coding change: c.*1241T>C on transcript NM_152381.6 (MANE Select); 1241 bases downstream of the stop codon, T replaced by C.
Molecular consequence: 3 prime UTR variant. On other transcripts: missense variant (3).
Genome position (GRCh38, 1-based): chr2:167,259,058, T>C. VCF-style: chr2-167259058-T-C. GRCh37 (hg19) VCF-style: chr2-168115568-T-C.
Other names: c.2611T>C (NM_001199143.1); c.2512T>C, p.Ser838Pro (NM_001079810.4); c.2611T>C, p.Ser871Pro (NM_001199143.2); c.*1241T>C (NM_001199144.2); c.1846T>C, p.Ser616Pro (NM_001199145.2); short protein forms S616P, S838P, S871P.
Identifiers: ClinVar variation 2651516 (VCV002651516.25), dbSNP rs151294213, ClinGen allele CA1948567.
Genomic context (GRCh38, chr2:167,259,058, plus strand): 5'-ACAAATCTCTTAAACATTAAAGGAAGCCATTCAAAGAGCAAAAATTTACACTTTTTCTTT[T>C]CTAACACCGTGAAAATCACTGCATTTTCCAAGAAAAATGAGAACATTTTCAATTGTGATT-3'

ClinVar aggregate classification (germline): Likely benign. Review status: criteria provided, single submitter (1 of 4 stars). 2 submissions from 2 submitters: Likely benign (1). 1 of the submissions does not count toward it. Last evaluated 2022-04-01.

Conditions:
XIRP2-related disorder. Also called: XIRP2-related condition.

Allele frequency attached by ClinVar (database versions not stated): 1000 Genomes Project 30x 0.00125; 1000 Genomes Project 0.00140; TOPMed 0.00310; gnomAD 0.00324; ESP Exome Variant Server 0.00374; ExAC 0.00397; gnomAD exomes 0.00555.
gnomAD v4.1: 8,502 of 1,611,374 alleles (0.53%); highest among the groups gnomAD compares: Non-Finnish European, 0.63%; 29 homozygotes.

Submissions (2):

CeGaT Center for Human Genetics Tuebingen
Classification: Likely benign. Last evaluated: 2022-04-01. Review status: criteria provided, single submitter. Criteria: CeGaT Center For Human Genetics Tuebingen Variant Classification Criteria Version 2. Collection method: clinical testing. Allele origin: germline. Affected: yes. Observed: 1 variant allele.
Comment: XIRP2: BP4, BS2

PreventionGenetics, part of Exact Sciences
Classification: Likely benign for XIRP2-related condition. Last evaluated: 2019-05-02. Review status: no assertion criteria provided. Collection method: clinical testing. Allele origin: germline. Not counted in ClinVar's aggregate classification.
Comment: This variant is classified as likely benign based on ACMG/AMP sequence variant interpretation guidelines (Richards et al. 2015 PMID: 25741868, with internal and published modifications).